The following is an entry in ClinVar:

ClinVar aggregate classification (germline): Uncertain significance. Review status: criteria provided, multiple submitters, no conflicts (2 of 4 stars). 2 submissions from 2 submitters: Uncertain significance (2). Last evaluated 2022-06-20.

Allele frequency attached by ClinVar (database versions not stated): gnomAD exomes below 0.00001 and 0.00001; TOPMed below 0.00001; gnomAD 0.00001.

Submissions (2):

Labcorp Genetics (formerly Invitae), Labcorp
Classification: Uncertain significance. Last evaluated: 2022-06-20. Review status: criteria provided, single submitter. Criteria: Invitae Variant Classification Sherloc (09022015). Collection method: clinical testing. Allele origin: germline.
Comment: This sequence change replaces glutamic acid, which is acidic and polar, with alanine, which is neutral and non-polar, at codon 792 of the ADGRV1 protein (p.Glu792Ala). This variant is present in population databases (no rsID available, gnomAD 0.0009%). This variant has not been reported in the literature in individuals affected with ADGRV1-related conditions. ClinVar contains an entry for this variant (Variation ID: 499556). Algorithms developed to predict the effect of missense changes on protein structure and function are either unavailable or do not agree on the potential impact of this missense change (SIFT: "Deleterious"; PolyPhen-2: "Benign"; Align-GVGD: "Class C0"). In summary, the available evidence is currently insufficient to determine the role of this variant in disease. Therefore, it has been classified as a Variant of Uncertain Significance.

Eurofins Ntd Llc (ga)
Classification: Uncertain significance. Last evaluated: 2017-01-18. Review status: criteria provided, single submitter. Criteria: EGL Classification Definitions 2015. Collection method: clinical testing. Allele origin: germline. Observed: 1 variant allele, 1 heterozygote.

NM_032119.4(ADGRV1):c.2375A>C (p.Glu792Ala)

Gene: ADGRV1 (adhesion G protein-coupled receptor V1; plus strand). Cytogenetic location: 5q14.3.
Variant type: single nucleotide variant.
Coding change: c.2375A>C on transcript NM_032119.4 (MANE Select); coding-DNA position 2375, A replaced by C.
Protein change: p.Glu792Ala; replaces glutamic acid 792 with alanine.
Molecular consequence: missense variant. On other transcripts: non-coding transcript variant (1).
Genome position (GRCh38, 1-based): chr5:90,642,863, A>C. VCF-style: chr5-90642863-A-C. GRCh37 (hg19) VCF-style: chr5-89938680-A-C.
Other names: short protein forms E792A.
Identifiers: ClinVar variation 499556 (VCV000499556.7), dbSNP rs1233930591, ClinGen allele CA360387680.
Genomic context (GRCh38, chr5:90,642,863, plus strand): 5'-CTTTAGAAGAATGATCTCAAAGGGTTTCAACTTTTGTGGATTTGTTTTTAAAGGAAGGAG[A>C]ATCTGTAGAGCTCCACATCATCCGATCAAGGGGGTCCCTTGTTAAGCAGTTTCTACACTA-3'
Protein context (NP_115495.3, residues 782-802): SRGPYVIKEG[Glu792Ala]SVELHIIRSR